The following is an entry in ClinVar:

NM_000065.5(C6):c.1650G>C (p.Glu550Asp)

Gene: C6 (complement C6; minus strand). Cytogenetic location: 5p13.1.
Variant type: single nucleotide variant.
Coding change: c.1650G>C on transcript NM_000065.5 (MANE Select); coding-DNA position 1650, G replaced by C.
Protein change: p.Glu550Asp; replaces glutamic acid 550 with aspartic acid.
Molecular consequence: missense variant.
Genome position (GRCh38, 1-based): chr5:41,160,176, C>G on the plus strand (G>C on the coding strand, the complement: C6 is on the minus strand). VCF-style: chr5-41160176-C-G. GRCh37 (hg19) VCF-style: chr5-41160278-C-G.
Other names: c.1650G>C, p.Glu550Asp (NM_001115131.4); short protein forms E550D.
Identifiers: ClinVar variation 1495618 (VCV001495618.8), dbSNP rs2150265358, ClinGen allele CA359597667.
Genomic context (GRCh38, chr5:41,160,176, plus strand): 5'-CCTCACAATAGATTCCTGATACTTACTGGATTTATAATCTGGAGACTGTTTCTCACAGTT[C>G]TCACCATAGGTGCCACTCTGACACACACACAGACATTCAGTCCCTGAGAGGGTGGGTCGG-3'
Protein context (NP_000056.2, residues 540-560): LCVCQSGTYG[Glu550Asp]NCEKQSPDYK

ClinVar aggregate classification (germline): Uncertain significance (1 of 4 stars; one submission).

Submission:

Labcorp Genetics (formerly Invitae), Labcorp
Classification: Uncertain significance. Last evaluated: 2021-03-01. Review status: criteria provided, single submitter. Criteria: Invitae Variant Classification Sherloc (09022015). Collection method: clinical testing. Allele origin: germline.
Comment: This sequence change replaces glutamic acid with aspartic acid at codon 550 of the C6 protein (p.Glu550Asp). The glutamic acid residue is moderately conserved and there is a small physicochemical difference between glutamic acid and aspartic acid. This variant is not present in population databases (ExAC no frequency). This variant has not been reported in the literature in individuals with C6-related conditions. Algorithms developed to predict the effect of missense changes on protein structure and function output the following: SIFT: "Tolerated"; PolyPhen-2: "Benign"; Align-GVGD: "Class C0". The aspartic acid amino acid residue is found in multiple mammalian species, suggesting that this missense change does not adversely affect protein function. These predictions have not been confirmed by published functional studies and their clinical significance is uncertain. In summary, the available evidence is currently insufficient to determine the role of this variant in disease. Therefore, it has been classified as a Variant of Uncertain Significance.